The following is an entry in ClinVar:

ClinVar aggregate classification (germline): Uncertain significance (1 of 4 stars; one submission).

Conditions:
Inborn genetic diseases. Identifiers: MedGen C0950123, MeSH D030342.

Submission:

Ambry Genetics
Classification: Uncertain significance for Inborn genetic diseases. Last evaluated: 2024-12-04. Review status: criteria provided, single submitter. Criteria: Ambry Variant Classification Scheme 2023. Collection method: clinical testing. Allele origin: germline.
Comment: The p.S1122T variant (also known as c.3365G>C), located in coding exon 15 of the MECOM gene, results from a G to C substitution at nucleotide position 3365. The serine at codon 1122 is replaced by threonine, an amino acid with similar properties. This amino acid position is conserved. In addition, this alteration is predicted to be tolerated by in silico analysis. Based on the available evidence, the clinical significance of this variant remains unclear.

NM_004991.4(MECOM):c.3365G>C (p.Ser1122Thr)

Gene: MECOM (MDS1 and EVI1 complex locus; minus strand). Cytogenetic location: 3q26.2.
Variant type: single nucleotide variant.
Coding change: c.3365G>C on transcript NM_004991.4 (MANE Select); coding-DNA position 3365, G replaced by C.
Protein change: p.Ser1122Thr; replaces serine 1122 with threonine.
Molecular consequence: missense variant.
Genome position (GRCh38, 1-based): chr3:169,090,036, C>G on the plus strand (G>C on the coding strand, the complement: MECOM is on the minus strand). VCF-style: chr3-169090036-C-G. GRCh37 (hg19) VCF-style: chr3-168807824-C-G.
Other names: c.2996G>C, p.Ser999Thr (NM_001105077.4); c.2801G>C, p.Ser934Thr (NM_001105078.4, NM_001205194.2, NM_001366469.2 and 1 more transcripts); c.2777G>C, p.Ser926Thr (NM_001163999.2, NM_001366470.2); c.2774G>C, p.Ser925Thr (NM_001164000.2, NM_001366471.2, NM_001366472.2); c.3338G>C, p.Ser1113Thr (NM_001366466.2); c.2804G>C, p.Ser935Thr (NM_001366467.2, NM_001366468.2); c.2366G>C, p.Ser789Thr (NM_001366473.2); c.1802G>C, p.Ser601Thr (NM_001366474.2); short protein forms S1113T, S601T, S999T, S925T, S934T, S789T, S935T, S1122T.
Identifiers: ClinVar variation 3394367 (VCV003394367.1).